The following is an entry in ClinVar:

NM_002796.3(PSMB4):c.703G>A (p.Ala235Thr)

Gene: PSMB4 (proteasome 20S subunit beta 4; plus strand). Cytogenetic location: 1q21.3.
Variant type: single nucleotide variant.
Coding change: c.703G>A on transcript NM_002796.3 (MANE Select); coding-DNA position 703, G replaced by A.
Protein change: p.Ala235Thr; replaces alanine 235 with threonine.
Molecular consequence: missense variant.
Genome position (GRCh38, 1-based): chr1:151,401,551, G>A. VCF-style: chr1-151401551-G-A. GRCh37 (hg19) VCF-style: chr1-151374027-G-A.
Other names: short protein forms A235T.
Identifiers: ClinVar variation 2809365 (VCV002809365.3), dbSNP rs144372831, ClinGen allele CA1090775.

ClinVar aggregate classification (germline): Uncertain significance (1 of 4 stars; one submission).

Allele frequency attached by ClinVar (database versions not stated): gnomAD exomes below 0.00001; ExAC 0.00002; ESP Exome Variant Server 0.00008.
gnomAD v4.1: 5 of 1,610,888 alleles (0.00031%); highest among the groups gnomAD compares: South Asian, 0.0011%; no homozygotes.

Submission:

Labcorp Genetics (formerly Invitae), Labcorp
Classification: Uncertain significance. Last evaluated: 2023-05-23. Review status: criteria provided, single submitter. Criteria: Invitae Variant Classification Sherloc (09022015). Collection method: clinical testing. Allele origin: germline.
Comment: In summary, the available evidence is currently insufficient to determine the role of this variant in disease. Therefore, it has been classified as a Variant of Uncertain Significance. This variant is present in population databases (rs144372831, gnomAD 0.006%). This sequence change replaces alanine, which is neutral and non-polar, with threonine, which is neutral and polar, at codon 235 of the PSMB4 protein (p.Ala235Thr). This variant has not been reported in the literature in individuals affected with PSMB4-related conditions. An algorithm developed to predict the effect of missense changes on protein structure and function (PolyPhen-2) suggests that this variant is likely to be tolerated.